The following is an entry in ClinVar:

ClinVar aggregate classification (germline): Likely benign (1 of 4 stars; one submission).

Conditions:
KCNQ1-related disorder. Also called: KCNQ1-related disorders; KCNQ1-related condition. Identifiers: MedGen CN239322.

gnomAD v4.1: 38 of 398,326 alleles (0.0095%); highest among the groups gnomAD compares: Non-Finnish European, 0.0066%; no homozygotes.

Submission:

PreventionGenetics, part of Exact Sciences
Classification: Likely benign for KCNQ1-related condition. Last evaluated: 2025-04-03. Review status: criteria provided, single submitter. Criteria: ACMG Guidelines, 2015. Collection method: clinical testing. Allele origin: germline.
Comment: This variant is classified as likely benign based on ACMG/AMP sequence variant interpretation guidelines (Richards et al. 2015 PMID: 25741868, with internal and published modifications).

NM_000218.3(KCNQ1):c.1514+34782G>A

Genes: KCNQ1 (potassium voltage-gated channel subfamily Q member 1; plus strand), KCNQ1OT1 (KCNQ1 opposite strand/antisense transcript 1; minus strand). Cytogenetic location: 11p15.5.
Variant type: single nucleotide variant.
Coding change: c.1514+34782G>A on transcript NM_000218.3 (MANE Select); 34782 bases into the intron after coding-DNA position 1514, G replaced by A.
Molecular consequence: intron variant. On other transcripts: non-coding transcript variant (1).
Genome position (GRCh38, 1-based): chr11:2,696,863, G>A. VCF-style: chr11-2696863-G-A. GRCh37 (hg19) VCF-style: chr11-2718093-G-A.
Other names: c.1244+34782G>A (NM_001406837.1); c.1418+34782G>A (NM_001406836.1); c.974+34782G>A (NM_001406838.1); c.1133+34782G>A (NM_181798.2).
Identifiers: ClinVar variation 4988005 (VCV004988005.1).